The following is an entry in ClinVar:

NM_001389.5(DSCAM):c.1334A>T (p.Asp445Val)

Gene: DSCAM (DS cell adhesion molecule; minus strand). Cytogenetic location: 21q22.2.
Variant type: single nucleotide variant.
Coding change: c.1334A>T on transcript NM_001389.5 (MANE Select); coding-DNA position 1334, A replaced by T.
Protein change: p.Asp445Val; replaces aspartic acid 445 with valine.
Molecular consequence: missense variant. On other transcripts: non-coding transcript variant (1).
Genome position (GRCh38, 1-based): chr21:40,339,292, T>A on the plus strand (A>T on the coding strand, the complement: DSCAM is on the minus strand). VCF-style: chr21-40339292-T-A. GRCh37 (hg19) VCF-style: chr21-41711219-T-A.
Other names: c.1334A>T, p.Asp445Val (NM_001271534.3); short protein forms D445V.
Identifiers: ClinVar variation 3350201 (VCV003350201.1).

ClinVar aggregate classification (germline): Uncertain significance (0 of 4 stars; one submission).

Conditions:
DSCAM-related disorder. Also called: DSCAM-related condition.

Submission:

PreventionGenetics, part of Exact Sciences
Classification: Uncertain significance for DSCAM-related condition. Last evaluated: 2024-03-22. Review status: no assertion criteria provided. Collection method: clinical testing. Allele origin: germline.
Comment: The DSCAM c.1334A>T variant is predicted to result in the amino acid substitution p.Asp445Val. To our knowledge, this variant has not been reported in the literature or in a large population database, indicating this variant is rare. At this time, the clinical significance of this variant is uncertain due to the absence of conclusive functional and genetic evidence.